The following is an entry in ClinVar:

NM_002907.4(RECQL):c.700+4T>A

Gene: RECQL (RecQ like helicase; minus strand). Cytogenetic location: 12p12.1.
Variant type: single nucleotide variant.
Coding change: c.700+4T>A on transcript NM_002907.4 (MANE Select); 4 bases into the intron after coding-DNA position 700, T replaced by A.
Molecular consequence: intron variant.
Genome position (GRCh38, 1-based): chr12:21,483,372, A>T on the plus strand (T>A on the coding strand, the complement: RECQL is on the minus strand). VCF-style: chr12-21483372-A-T. GRCh37 (hg19) VCF-style: chr12-21636306-A-T.
Other names: c.700+4T>A (NM_002907.3, NM_032941.3).
Identifiers: ClinVar variation 1018574 (VCV001018574.10), dbSNP rs201357215, ClinGen allele CA6479007.

ClinVar aggregate classification (germline): Conflicting classifications of pathogenicity. Review status: criteria provided, conflicting classifications (1 of 4 stars). 4 submissions from 4 submitters: Uncertain significance (2); Likely benign (1). 1 of the submissions does not count toward it. Last evaluated 2025-06-02.

Conditions:
RECQL-related disorder. Also called: RECQL-related condition.

Allele frequency attached by ClinVar (database versions not stated): gnomAD exomes 0.00001 and 0.00002; ExAC 0.00002; TOPMed 0.00002.
gnomAD v4.1: 18 of 1,594,548 alleles (0.0011%); highest among the groups gnomAD compares: Non-Finnish European, 0.0015%; no homozygotes.

Submissions (4):

Labcorp Genetics (formerly Invitae), Labcorp
Classification: Uncertain significance. Last evaluated: 2025-06-02. Review status: criteria provided, single submitter. Criteria: Invitae Variant Classification Sherloc (09022015). Collection method: clinical testing. Allele origin: germline.
Comment: This sequence change falls in intron 6 of the RECQL gene. It does not directly change the encoded amino acid sequence of the RECQL protein. It affects a nucleotide within the consensus splice site. This variant is present in population databases (rs201357215, gnomAD 0.005%). This variant has not been reported in the literature in individuals affected with RECQL-related conditions. ClinVar contains an entry for this variant (Variation ID: 1018574). Variants that disrupt the consensus splice site are a relatively common cause of aberrant splicing (PMID: 17576681, 9536098). Algorithms developed to predict the effect of sequence changes on RNA splicing suggest that this variant is not likely to affect RNA splicing. In summary, the available evidence is currently insufficient to determine the role of this variant in disease. Therefore, it has been classified as a Variant of Uncertain Significance.

Quest Diagnostics Nichols Institute San Juan Capistrano
Classification: Uncertain significance. Last evaluated: 2024-08-29. Review status: criteria provided, single submitter. Criteria: Quest Diagnostics criteria. Collection method: clinical testing. Allele origin: unknown.
Comment: The RECQL c.700+4T>A variant has not been reported in individuals with RECQL-related conditions in the published literature. The frequency of this variant in the general population, 0.000046 (5/109498 chromosomes (Genome Aggregation Database)), is uninformative in the assessment of its pathogenicity. Analysis of this variant using software algorithms for the prediction of the effect of nucleotide changes on splicing yielded predictions that this variant does not affect RECQL mRNA splicing. Based on the available information, we are unable to determine the clinical significance of this variant.

Blueprint Genetics
Classification: Likely benign. Last evaluated: 2024-04-19. Review status: criteria provided, single submitter. Criteria: ACMG Guidelines, 2015. Collection method: clinical testing. Allele origin: germline.

PreventionGenetics, part of Exact Sciences
Classification: Likely benign for RECQL-related condition. Last evaluated: 2019-06-24. Review status: no assertion criteria provided. Collection method: clinical testing. Allele origin: germline. Not counted in ClinVar's aggregate classification.
Comment: This variant is classified as likely benign based on ACMG/AMP sequence variant interpretation guidelines (Richards et al. 2015 PMID: 25741868, with internal and published modifications).

Literature cited by the submitters: PubMed 17576681 (cited by Labcorp Genetics (formerly Invitae), Labcorp); PubMed 9536098 (cited by Labcorp Genetics (formerly Invitae), Labcorp).